The following is an entry in ClinVar:

ClinVar aggregate classification (germline): Uncertain significance. Review status: criteria provided, multiple submitters, no conflicts (2 of 4 stars). 2 submissions from 2 submitters: Uncertain significance (2). Last evaluated 2025-05-29.

Conditions:
POLD1-related polyposis and colorectal cancer syndrome (CRCS10). Also called: Colorectal cancer, susceptibility to, 10; Colorectal cancer 10; COLORECTAL CANCER, SUSCEPTIBILITY TO, ON CHROMOSOME 19q. Identifiers: Orphanet 220460, MedGen C2675481, MONDO:0012953, OMIM 612591.
Hereditary cancer-predisposing syndrome. Also called: Tumor predisposition; Hereditary Cancer Syndrome; Hereditary neoplastic syndrome; Neoplastic Syndromes, Hereditary. Identifiers: Orphanet 140162, MedGen C0027672, MeSH D009386, MONDO:0015356.

Allele frequency attached by ClinVar (database versions not stated): gnomAD exomes below 0.00001.
gnomAD v4.1: 1 of 1,613,832 alleles (0.000062%); highest among the groups gnomAD compares: Non-Finnish European, 0.000085%; no homozygotes.

Submissions (2):

Ambry Genetics
Classification: Uncertain significance for Hereditary cancer-predisposing syndrome. Last evaluated: 2025-05-29. Review status: criteria provided, single submitter. Criteria: Ambry Variant Classification Scheme 2023. Collection method: clinical testing. Allele origin: germline.
Comment: The p.A186P variant (also known as c.556G>C), located in coding exon 4 of the POLD1 gene, results from a G to C substitution at nucleotide position 556. The alanine at codon 186 is replaced by proline, an amino acid with highly similar properties. This amino acid position is conserved. In addition, this alteration is predicted to be tolerated by in silico analysis. Since supporting evidence is limited at this time, the clinical significance of this alteration remains unclear.

Labcorp Genetics (formerly Invitae), Labcorp
Classification: Uncertain significance for POLD1-related polyposis and colorectal cancer syndrome. Last evaluated: 2023-09-06. Review status: criteria provided, single submitter. Criteria: Invitae Variant Classification Sherloc (09022015). Collection method: clinical testing. Allele origin: germline.
Comment: This sequence change replaces alanine, which is neutral and non-polar, with proline, which is neutral and non-polar, at codon 186 of the POLD1 protein (p.Ala186Pro). This variant is present in population databases (no rsID available, gnomAD 0.0009%). This variant has not been reported in the literature in individuals affected with POLD1-related conditions. ClinVar contains an entry for this variant (Variation ID: 1345564). Advanced modeling of protein sequence and biophysical properties (such as structural, functional, and spatial information, amino acid conservation, physicochemical variation, residue mobility, and thermodynamic stability) performed at Invitae indicates that this missense variant is not expected to disrupt POLD1 protein function. In summary, the available evidence is currently insufficient to determine the role of this variant in disease. Therefore, it has been classified as a Variant of Uncertain Significance.

NM_002691.4(POLD1):c.556G>C (p.Ala186Pro)

Gene: POLD1 (DNA polymerase delta 1, catalytic subunit; plus strand). Cytogenetic location: 19q13.33.
Variant type: single nucleotide variant.
Coding change: c.556G>C on transcript NM_002691.4 (MANE Select); coding-DNA position 556, G replaced by C.
Protein change: p.Ala186Pro; replaces alanine 186 with proline.
Molecular consequence: missense variant. On other transcripts: non-coding transcript variant (1).
Genome position (GRCh38, 1-based): chr19:50,402,091, G>C. VCF-style: chr19-50402091-G-C. GRCh37 (hg19) VCF-style: chr19-50905348-G-C.
Other names: c.556G>C, p.Ala186Pro (NM_001256849.1, NM_001308632.1); short protein forms A186P.
Identifiers: ClinVar variation 1345564 (VCV001345564.9), dbSNP rs1298088600, ClinGen allele CA406973335.